The following is an entry in ClinVar:

ClinVar aggregate classification (germline): Likely pathogenic (1 of 4 stars; one submission).

Submission:

GeneDx
Classification: Likely pathogenic. Last evaluated: 2017-12-01. Review status: criteria provided, single submitter. Criteria: GeneDx Variant Classification (06012015). Collection method: clinical testing. Allele origin: germline. Affected: yes.
Comment: The G116R variant in the SATB2 gene has not been reported previously as a pathogenic variant, nor as a benign variant, to our knowledge. The G116R variant was not observed in approximately 6500 individuals of European and African American ancestry in the NHLBI Exome Sequencing Project, indicating it is not a common benign variant in these populations. The G116R variant is a non-conservative amino acid substitution, which is likely to impact secondary protein structure as these residues differ in polarity, charge, size and/or other properties. This substitution occurs at a position that is conserved across species. In silico analysis predicts this variant destroys the natural splice donor site for intron 4, which may result in abnormal gene splicing. However, in the absence of RNA/functional studies, the actual effect of this sequence change in this individual is unknown. The G116R variant is a strong candidate for a pathogenic variant

NM_001172509.2(SATB2):c.346G>C (p.Gly116Arg)

Gene: SATB2 (SATB homeobox 2; minus strand). Cytogenetic location: 2q33.1.
Variant type: single nucleotide variant.
Coding change: c.346G>C on transcript NM_001172509.2 (MANE Select); coding-DNA position 346, G replaced by C.
Protein change: p.Gly116Arg; replaces glycine 116 with arginine.
Molecular consequence: missense variant. On other transcripts: non-coding transcript variant (1).
Genome position (GRCh38, 1-based): chr2:199,433,338, C>G on the plus strand (G>C on the coding strand, the complement: SATB2 is on the minus strand). VCF-style: chr2-199433338-C-G. GRCh37 (hg19) VCF-style: chr2-200298061-C-G.
Other names: c.346G>C, p.Gly116Arg (NM_001172517.1, NM_015265.4); short protein forms G116R.
Identifiers: ClinVar variation 429920 (VCV000429920.2), dbSNP rs1131691672, ClinGen allele CA350386609.